The following is an entry in ClinVar:

NM_001145809.2(MYH14):c.5990C>G (p.Thr1997Arg)

Gene: MYH14 (myosin heavy chain 14; plus strand). Cytogenetic location: 19q13.33.
Variant type: single nucleotide variant.
Coding change: c.5990C>G on transcript NM_001145809.2 (MANE Select); coding-DNA position 5990, C replaced by G.
Protein change: p.Thr1997Arg; replaces threonine 1997 with arginine.
Molecular consequence: missense variant.
Genome position (GRCh38, 1-based): chr19:50,309,669, C>G. VCF-style: chr19-50309669-C-G. GRCh37 (hg19) VCF-style: chr19-50812926-C-G.
Other names: c.5891C>G, p.Thr1964Arg (NM_001077186.2); c.5867C>G, p.Thr1956Arg (NM_024729.4); short protein forms T1997R, T1956R, T1964R.
Identifiers: ClinVar variation 4625416 (VCV004625416.1).

ClinVar aggregate classification (germline): Uncertain significance (1 of 4 stars; one submission).

Conditions:
Inborn genetic diseases. Identifiers: MedGen C0950123, MeSH D030342.

gnomAD v4.1: 17 of 1,610,930 alleles (0.0011%); highest among the groups gnomAD compares: South Asian, 0.0055%; no homozygotes.

Submission:

Ambry Genetics
Classification: Uncertain significance for Inborn genetic diseases. Last evaluated: 2025-11-12. Review status: criteria provided, single submitter. Criteria: Ambry Variant Classification Scheme 2023. Collection method: clinical testing. Allele origin: germline.
Comment: The c.5867C>G (p.T1956R) alteration is located in exon 41 (coding exon 40) of the MYH14 gene. This alteration results from a C to G substitution at nucleotide position 5867, causing the threonine (T) at amino acid position 1956 to be replaced by an arginine (R). Based on data from gnomAD, the G allele has an overall frequency of 0.002% (5/242058) total alleles studied. The highest observed frequency was 0.01% (1/9914) of Ashkenazi Jewish alleles. Based on insufficient or conflicting evidence, the clinical significance of this alteration remains unclear.